The following is an entry in ClinVar:

NM_001365999.1(SZT2):c.3854G>A (p.Arg1285Gln)

Gene: SZT2 (SZT2 subunit of KICSTOR complex; plus strand). Cytogenetic location: 1p34.2.
Variant type: single nucleotide variant.
Coding change: c.3854G>A on transcript NM_001365999.1 (MANE Select); coding-DNA position 3854, G replaced by A.
Protein change: p.Arg1285Gln; replaces arginine 1285 with glutamine.
Molecular consequence: missense variant.
Genome position (GRCh38, 1-based): chr1:43,428,053, G>A. VCF-style: chr1-43428053-G-A. GRCh37 (hg19) VCF-style: chr1-43893724-G-A.
Other names: c.3683G>A, p.Arg1228Gln (NM_015284.4); short protein forms R1285Q, R1228Q.
Identifiers: ClinVar variation 650507 (VCV000650507.10), dbSNP rs370863026, ClinGen allele CA809128.

ClinVar aggregate classification (germline): Uncertain significance. Review status: criteria provided, multiple submitters, no conflicts (2 of 4 stars). 3 submissions from 3 submitters: Uncertain significance (3). Last evaluated 2024-10-23.

Conditions:
Developmental and epileptic encephalopathy, 18 (DEE18). Also called: Early infantile epileptic encephalopathy 18. Identifiers: Orphanet 369894, MedGen C3809624, MONDO:0014201, OMIM 615476.

Allele frequency attached by ClinVar (database versions not stated): gnomAD 0.00001; TOPMed 0.00001; gnomAD exomes 0.00002; ExAC 0.00005.
gnomAD v4.1: 19 of 1,614,018 alleles (0.0012%); highest among the groups gnomAD compares: East Asian, 0.0045%; no homozygotes.

Submissions (3):

Labcorp Genetics (formerly Invitae), Labcorp
Classification: Uncertain significance. Last evaluated: 2024-10-23. Review status: criteria provided, single submitter. Criteria: Invitae Variant Classification Sherloc (09022015). Collection method: clinical testing. Allele origin: germline.
Comment: This sequence change replaces arginine, which is basic and polar, with glutamine, which is neutral and polar, at codon 1228 of the SZT2 protein (p.Arg1228Gln). This variant is present in population databases (rs370863026, gnomAD 0.004%). This variant has not been reported in the literature in individuals affected with SZT2-related conditions. ClinVar contains an entry for this variant (Variation ID: 650507). Invitae Evidence Modeling of protein sequence and biophysical properties (such as structural, functional, and spatial information, amino acid conservation, physicochemical variation, residue mobility, and thermodynamic stability) indicates that this missense variant is not expected to disrupt SZT2 protein function with a negative predictive value of 80%. In summary, the available evidence is currently insufficient to determine the role of this variant in disease. Therefore, it has been classified as a Variant of Uncertain Significance.

GeneDx
Classification: Uncertain significance. Last evaluated: 2024-03-17. Review status: criteria provided, single submitter. Criteria: GeneDx Variant Classification Process June 2021. Collection method: clinical testing. Allele origin: germline. Affected: yes.
Comment: Not observed at significant frequency in large population cohorts (gnomAD); In silico analysis supports that this missense variant does not alter protein structure/function; Has not been previously published as pathogenic or benign to our knowledge

Genome-Nilou Lab
Classification: Uncertain significance for Developmental and epileptic encephalopathy, 18. Last evaluated: 2023-04-11. Review status: criteria provided, single submitter. Criteria: ACMG Guidelines, 2015. Collection method: clinical testing. Allele origin: germline. Affected: no.